The following is an entry in ClinVar:

ClinVar aggregate classification (germline): Uncertain significance (1 of 4 stars; one submission).

gnomAD v4.1: 1 of 1,611,160 alleles (0.000062%); highest among the groups gnomAD compares: Non-Finnish European, 0.000085%; no homozygotes.

Submission:

Ambry Genetics
Classification: Uncertain significance. Last evaluated: 2026-07-04. Review status: criteria provided, single submitter. Criteria: Ambry Variant Classification Scheme 2023. Collection method: clinical testing. Allele origin: germline.
Comment: The p.V479L variant (also known as c.1435G>T), located in coding exon 8 of the PALLD gene, results from a G to T substitution at nucleotide position 1435. The valine at codon 479 is replaced by leucine, an amino acid with highly similar properties. This amino acid position is conserved. In addition, the in silico prediction for this alteration is inconclusive. Based on the available evidence, the clinical significance of this variant remains unclear.

NM_001166108.2(PALLD):c.2947G>T (p.Val983Leu)

Genes: CBR4 (carbonyl reductase 4; minus strand), PALLD (palladin, cytoskeletal associated protein; plus strand). Cytogenetic location: 4q32.3.
Variant type: single nucleotide variant.
Coding change: c.2947G>T on transcript NM_001166108.2 (MANE Select); coding-DNA position 2947, G replaced by T.
Protein change: p.Val983Leu; replaces valine 983 with leucine.
Molecular consequence: missense variant.
Genome position (GRCh38, 1-based): chr4:168,921,630, G>T. VCF-style: chr4-168921630-G-T. GRCh37 (hg19) VCF-style: chr4-169842781-G-T.
Other names: c.1750G>T, p.Val584Leu (NM_001166109.2); c.1435G>T, p.Val479Leu (NM_001166110.2); c.775G>T, p.Val259Leu (NM_001367567.1, NM_001367569.1); c.826G>T, p.Val276Leu (NM_001367568.1, NM_001367570.1); c.2896G>T, p.Val966Leu (NM_016081.4); short protein forms V276L, V966L, V479L, V983L, V259L, V584L.
Identifiers: ClinVar variation 5026217 (VCV005026217.1).